The following is an entry in ClinVar:

NM_020921.4(NIN):c.6156G>C (p.Arg2052Ser)

Gene: NIN (ninein; minus strand). Cytogenetic location: 14q22.1.
Variant type: single nucleotide variant.
Coding change: c.6156G>C on transcript NM_020921.4 (MANE Select); coding-DNA position 6156, G replaced by C.
Protein change: p.Arg2052Ser; replaces arginine 2052 with serine.
Molecular consequence: missense variant.
Genome position (GRCh38, 1-based): chr14:50,725,989, C>G on the plus strand (G>C on the coding strand, the complement: NIN is on the minus strand). VCF-style: chr14-50725989-C-G. GRCh37 (hg19) VCF-style: chr14-51192707-C-G.
Other names: c.4017G>C, p.Arg1339Ser (NM_016350.5); c.6156G>C, p.Arg2052Ser (NM_182946.2); short protein forms R1339S, R2052S.
Identifiers: ClinVar variation 2349559 (VCV002349559.4), dbSNP rs534805269, ClinGen allele CA7180977.

ClinVar aggregate classification (germline): Uncertain significance. Review status: criteria provided, multiple submitters, no conflicts (2 of 4 stars). 2 submissions from 2 submitters: Uncertain significance (2). Last evaluated 2025-07-29.

Allele frequency attached by ClinVar (database versions not stated): 1000 Genomes Project 0.00020; 1000 Genomes Project 30x 0.00016.
gnomAD v4.1: 207 of 1,614,074 alleles (0.013%); highest among the groups gnomAD compares: East Asian, 0.036%; no homozygotes.

Submissions (2):

Labcorp Genetics (formerly Invitae), Labcorp
Classification: Uncertain significance. Last evaluated: 2025-07-29. Review status: criteria provided, single submitter. Criteria: Invitae Variant Classification Sherloc (09022015). Collection method: clinical testing. Allele origin: germline.
Comment: This sequence change replaces arginine, which is basic and polar, with serine, which is neutral and polar, at codon 2052 of the NIN protein (p.Arg2052Ser). This variant is present in population databases (rs534805269, gnomAD 0.03%). This variant has not been reported in the literature in individuals affected with NIN-related conditions. ClinVar contains an entry for this variant (Variation ID: 2349559). An algorithm developed to predict the effect of missense changes on protein structure and function outputs the following: PolyPhen-2: "Probably Damaging". The serine amino acid residue is found in multiple mammalian species, which suggests that this missense change does not adversely affect protein function. In summary, the available evidence is currently insufficient to determine the role of this variant in disease. Therefore, it has been classified as a Variant of Uncertain Significance.

Ambry Genetics
Classification: Uncertain significance. Last evaluated: 2021-08-02. Review status: criteria provided, single submitter. Criteria: Ambry Variant Classification Scheme 2023. Collection method: clinical testing. Allele origin: germline.